The following is an entry in ClinVar:

ClinVar aggregate classification (germline): Pathogenic/Likely pathogenic. Review status: criteria provided, multiple submitters, no conflicts (2 of 4 stars). 8 submissions from 8 submitters: Pathogenic (3); Likely pathogenic (5). Last evaluated 2025-12-08.

Conditions:
HMGCL-related disorder. Also called: HMGCL-related condition.
Long chain 3-hydroxyacyl-CoA dehydrogenase deficiency. Also called: Deficiency of long-chain 3-hydroxyacyl-coenzyme A dehydrogenase; LCHAD Deficiency. Identifiers: Orphanet 5, MedGen C3711645, MONDO:0012173, OMIM 609016.
Deficiency of hydroxymethylglutaryl-CoA lyase (HMGCLD). Also called: HMGCL DEFICIENCY; HYDROXYMETHYLGLUTARIC ACIDURIA; Defect in leucine metabolism; 3-hydroxy-3-methylglutaric aciduria; HMG-CoA LYASE DEFICIENCY. Identifiers: Orphanet 20, MedGen C1533587, MONDO:0009520, OMIM 246450.

Allele frequency attached by ClinVar (database versions not stated): ExAC 0.00002; gnomAD exomes 0.00003 and 0.00009; gnomAD 0.00005 and 0.00006; TOPMed 0.00005; ESP Exome Variant Server 0.00008.

Submissions (8):

Women's Health and Genetics/Laboratory Corporation of America, LabCorp
Classification: Pathogenic for Deficiency of hydroxymethylglutaryl-CoA lyase. Last evaluated: 2025-12-08. Review status: criteria provided, single submitter. Criteria: LabCorp Variant Classification Summary - May 2015. Collection method: clinical testing. Allele origin: germline.
Comment: Variant summary: HMGCL c.853delC (p.Leu285X) results in a premature termination codon in exon 8 (i.e. in the penultimate exon), resulting in a premature termination codon that is not expected to cause nonsense mediated decay (NMD), but is predicted to cause a truncation of the encoded protein, removing a part of the Pyruvate carboxyltransferase domain (amino acids 32-306; IPR000891). A truncation downstream of this position (c.914_915delTT, p.Phe305TyrfsX10) has been classified as pathogenic by our laboratory. The variant allele was found at a frequency of 3.2e-05 in 251464 control chromosomes. c.853delC has been observed in at least one compound heterozygous individual affected with HMG-CoA Lyase Deficiency (example: Menao_2009). To our knowledge, no experimental evidence demonstrating an impact on protein function has been reported. The following publications have been ascertained in the context of this evaluation (PMID: 19177531, 32059735). ClinVar contains an entry for this variant (Variation ID: 632104). Based on the evidence outlined above, the variant was classified as pathogenic.

Natera, Inc.
Classification: Likely pathogenic for Deficiency of long-chain 3-hydroxyacyl-coenzyme A dehydrogenase. Last evaluated: 2025-08-18. Review status: criteria provided, single submitter. Criteria: Natera Variant Classification Schema (03/2026). Collection method: clinical testing. Allele origin: germline.
Comment: The c.853delC variant in HMGCL is a frameshift variant predicted to shift the reading frame and introduce a stop codon. This variant is expected to result in nonsense mediated decay, truncation, or a dysfunctional protein product. This variant is rare in the general population with a frequency below the threshold expected for the associated phenotype(s). This variant has been observed in one or more individuals affected with the associated recessive disease, as either homozygous or compound heterozygous with a second variant (PMID: 19177531). Given the available evidence, this variant is classified as Likely Pathogenic.

Labcorp Genetics (formerly Invitae), Labcorp
Classification: Pathogenic for Deficiency of hydroxymethylglutaryl-CoA lyase. Last evaluated: 2025-06-02. Review status: criteria provided, single submitter. Criteria: Invitae Variant Classification Sherloc (09022015). Collection method: clinical testing. Allele origin: germline.
Comment: This sequence change creates a premature translational stop signal (p.Leu285*) in the HMGCL gene. It is expected to result in an absent or disrupted protein product. Loss-of-function variants in HMGCL are known to be pathogenic (PMID: 9817922, 17692550, 23465862). This variant is present in population databases (rs779339230, gnomAD 0.006%). This premature translational stop signal has been observed in individual(s) with HMG-CoA lyase deficiency (PMID: 19177531). ClinVar contains an entry for this variant (Variation ID: 632104). This variant disrupts a region of the HMGCL protein in which other variant(s) (p.Phe305Tyrfs*10) have been determined to be pathogenic (PMID: 2443756, 6085636, 9463337). This suggests that this is a clinically significant region of the protein, and that variants that disrupt it are likely to be disease-causing. For these reasons, this variant has been classified as Pathogenic.

PreventionGenetics, part of Exact Sciences
Classification: Likely pathogenic for HMGCL-related condition. Last evaluated: 2025-01-24. Review status: criteria provided, single submitter. Criteria: ACMG Guidelines, 2015. Collection method: clinical testing. Allele origin: germline.
Comment: The HMGCL c.853delC variant is predicted to result in premature protein termination (p.Leu285*). This variant was reported in the compound heterozygous state in an individual with 3-hydroxy-3-methylglutaric aciduria (Menao et al. 2009. PubMed ID: 19177531). This variant is reported in 0.0054% of alleles in individuals of European (Non-Finnish) descent in gnomAD. Nonsense variants in HMGCL are expected to be pathogenic. This variant is interpreted as likely pathogenic.

Fulgent Genetics
Classification: Likely pathogenic for Deficiency of hydroxymethylglutaryl-CoA lyase. Last evaluated: 2024-04-04. Review status: criteria provided, single submitter. Criteria: ACMG Guidelines, 2015. Collection method: clinical testing. Allele origin: germline.

Baylor Genetics
Classification: Pathogenic for Deficiency of hydroxymethylglutaryl-CoA lyase. Last evaluated: 2024-02-27. Review status: criteria provided, single submitter. Criteria: ACMG Guidelines, 2015. Collection method: clinical testing. Allele origin: unknown.

Department of Pathology and Laboratory Medicine, Sinai Health System
Classification: Likely pathogenic for 3-hydroxy-3-methylglutaric aciduria. Last evaluated: 2022-06-20. Review status: criteria provided, single submitter. Criteria: ACMG Guidelines, 2015. Collection method: research. Allele origin: germline.

Genetics and Molecular Pathology, SA Pathology
Classification: Likely pathogenic for Deficiency of hydroxymethylglutaryl-CoA lyase. Last evaluated: 2022-03-25. Review status: criteria provided, single submitter. Criteria: ACMG Guidelines, 2015. Collection method: clinical testing. Allele origin: germline. Inheritance: Autosomal recessive inheritance. Affected: yes.

Literature cited by the submitters: PubMed 19177531 (cited by 3 submitters); PubMed 32059735 (cited by Women's Health and Genetics/Laboratory Corporation of America, LabCorp); PubMed 9817922 (cited by Labcorp Genetics (formerly Invitae), Labcorp); PubMed 17692550 (cited by Labcorp Genetics (formerly Invitae), Labcorp); PubMed 23465862 (cited by Labcorp Genetics (formerly Invitae), Labcorp); PubMed 2443756 (cited by Labcorp Genetics (formerly Invitae), Labcorp); PubMed 6085636 (cited by Labcorp Genetics (formerly Invitae), Labcorp); PubMed 9463337 (cited by Labcorp Genetics (formerly Invitae), Labcorp).

NM_000191.3(HMGCL):c.853del (p.Met284_Leu285insTer)

Gene: HMGCL (3-hydroxy-3-methylglutaryl-CoA lyase; minus strand). Cytogenetic location: 1p36.11.
Variant type: Deletion.
Coding change: c.853del on transcript NM_000191.3 (MANE Select); coding-DNA position 853, one base deleted (C; older notation c.853delC).
Protein change: p.Met284_Leu285insTer.
Molecular consequence: nonsense.
Genome position (GRCh38, 1-based): chr1:23,804,423, G deleted on the plus strand (C on the coding strand, the reverse complement: HMGCL is on the minus strand). VCF-style (leftmost placement, unchanged base first): chr1-23804422-AG-A. GRCh37 (hg19) VCF-style: chr1-24130912-AG-A.
Other names: c.853delC (NM_000191.3); c.853del (NM_000191.2); c.640del, p.Met213_Leu214insTer (NM_001166059.2).
Identifiers: ClinVar variation 632104 (VCV000632104.26), dbSNP rs779339230, ClinGen allele CA685897.